The following is an entry in ClinVar:

NM_001348323.3(TRIP12):c.1662A>G (p.Thr554=)

Gene: TRIP12 (thyroid hormone receptor interactor 12; minus strand). Cytogenetic location: 2q36.3.
Variant type: single nucleotide variant.
Coding change: c.1662A>G on transcript NM_001348323.3 (MANE Select); coding-DNA position 1662, A replaced by G.
Protein change: p.Thr554=; no amino-acid change (threonine 554 retained).
Molecular consequence: synonymous variant.
Genome position (GRCh38, 1-based): chr2:229,815,168, T>C on the plus strand (A>G on the coding strand, the complement: TRIP12 is on the minus strand). VCF-style: chr2-229815168-T-C. GRCh37 (hg19) VCF-style: chr2-230679884-T-C.
Other names: c.1662A>G, p.Thr554= (NM_001284214.2, NM_001348315.2, NM_001348319.1 and 11 more transcripts); c.1536A>G, p.Thr512= (NM_001284215.2, NM_001348316.2, NM_001348317.1 and 2 more transcripts); c.627A>G, p.Thr209= (NM_001284216.2); c.1575A>G, p.Thr525= (NM_001348332.1); c.1518A>G, p.Thr506= (NM_004238.3).
Identifiers: ClinVar variation 4823595 (VCV004823595.4).

ClinVar aggregate classification (germline): Likely benign (1 of 4 stars; one submission).

gnomAD v4.1: 2 of 1,613,232 alleles (0.00012%); highest among the groups gnomAD compares: African/African-American, 0.0013%; no homozygotes.

Submission:

CeGaT Center for Human Genetics Tuebingen
Classification: Likely benign. Last evaluated: 2026-03-01. Review status: criteria provided, single submitter. Criteria: CeGaT Center For Human Genetics Tuebingen Variant Classification Criteria Version 2. Collection method: clinical testing. Allele origin: germline. Affected: yes. Observed: 1 variant allele.
Comment: TRIP12: BP4, BP7